The following is an entry in ClinVar:

NM_018249.6(CDK5RAP2):c.5578+199T>C

Gene: CDK5RAP2 (CDK5 regulatory subunit associated protein 2; minus strand). Cytogenetic location: 9q33.2.
Variant type: single nucleotide variant.
Coding change: c.5578+199T>C on transcript NM_018249.6 (MANE Select); 199 bases into the intron after coding-DNA position 5578, T replaced by C.
Molecular consequence: intron variant.
Genome position (GRCh38, 1-based): chr9:120,394,313, A>G on the plus strand (T>C on the coding strand, the complement: CDK5RAP2 is on the minus strand). VCF-style: chr9-120394313-A-G. GRCh37 (hg19) VCF-style: chr9-123156591-A-G.
Other names: c.4888+199T>C (NM_001272039.2); c.5341+199T>C (NM_001011649.3).
Identifiers: ClinVar variation 678321 (VCV000678321.1), dbSNP rs7859743, ClinGen allele CA13089997.
Genomic context (GRCh38, chr9:120,394,313, plus strand): 5'-TCCCATCACTGCACATGCCACACGACTGTCTCCCAGTGAGACGACAGTCCCTGACACCAA[A>G]AGGCCGCTCTACAAAGGTGTGTTAAGTGAATACATTTGTCTATGTGAGTCAGAAAGGATG-3'

ClinVar aggregate classification (germline): Benign (1 of 4 stars; one submission).

Allele frequency attached by ClinVar (database versions not stated): gnomAD 0.66428 and 0.66813; TOPMed 0.66428; 1000 Genomes Project 0.69589; 1000 Genomes Project 30x 0.69628.
gnomAD v4.1: 101,443 of 151,966 alleles (67%); highest among the groups gnomAD compares: East Asian, 80%; 34,205 homozygotes.

Submission:

GeneDx
Classification: Benign. Last evaluated: 2018-06-16. Review status: criteria provided, single submitter. Criteria: GeneDx Variant Classification (06012015). Collection method: clinical testing. Allele origin: germline. Affected: yes.
Comment: This variant is considered likely benign or benign based on one or more of the following criteria: it is a conservative change, it occurs at a poorly conserved position in the protein, it is predicted to be benign by multiple in silico algorithms, and/or has population frequency not consistent with disease.